The following is an entry in ClinVar:

NM_032043.3(BRIP1):c.2567A>G (p.Tyr856Cys)

Gene: BRIP1 (BRCA1 interacting DNA helicase 1; minus strand). Cytogenetic location: 17q23.2.
Variant type: single nucleotide variant.
Coding change: c.2567A>G on transcript NM_032043.3 (MANE Select); coding-DNA position 2567, A replaced by G.
Protein change: p.Tyr856Cys; replaces tyrosine 856 with cysteine.
Molecular consequence: missense variant.
Genome position (GRCh38, 1-based): chr17:61,693,438, T>C on the plus strand (A>G on the coding strand, the complement: BRIP1 is on the minus strand). VCF-style: chr17-61693438-T-C. GRCh37 (hg19) VCF-style: chr17-59770799-T-C.
Other names: short protein forms Y856C.
Identifiers: ClinVar variation 418097 (VCV000418097.24), dbSNP rs781556845, ClinGen allele CA8690488.

ClinVar aggregate classification (germline): Uncertain significance. Review status: criteria provided, multiple submitters, no conflicts (2 of 4 stars). 7 submissions from 7 submitters: Uncertain significance (6). 1 of the submissions does not count toward it. Last evaluated 2025-10-06.

Conditions:
Fanconi anemia complementation group J. Also called: BRIP1-Related Fanconi Anemia. Identifiers: Orphanet 84, MedGen C1836860, MONDO:0012187, OMIM 609054.
Familial cancer of breast. Also called: Hereditary breast cancer; BREAST CANCER, FAMILIAL; hereditary breast carcinoma. Identifiers: Orphanet 227535, MedGen C0346153, MONDO:0016419, OMIM 114480. Disease mechanism: loss of function.
Ovarian cancer. Also called: OVARIAN CANCER, SOMATIC. Identifiers: Orphanet 213500, MedGen C1140680, MONDO:0008170, OMIM 167000.
Hereditary cancer-predisposing syndrome. Also called: Tumor predisposition; Neoplastic Syndromes, Hereditary; Hereditary Cancer Syndrome; Hereditary neoplastic syndrome. Identifiers: Orphanet 140162, MedGen C0027672, MeSH D009386, MONDO:0015356.

Allele frequency attached by ClinVar (database versions not stated): gnomAD exomes below 0.00001 and 0.00001; ExAC 0.00002; TOPMed 0.00002; gnomAD 0.00003.
gnomAD v4.1: 6 of 1,612,758 alleles (0.00037%); highest among the groups gnomAD compares: African/African-American, 0.0067%; no homozygotes.

Submissions (7):

Labcorp Genetics (formerly Invitae), Labcorp
Classification: Uncertain significance for Familial cancer of breast; Fanconi anemia complementation group J. Last evaluated: 2025-10-06. Review status: criteria provided, single submitter. Criteria: Invitae Variant Classification Sherloc (09022015). Collection method: clinical testing. Allele origin: germline.
Comment: This sequence change replaces tyrosine, which is neutral and polar, with cysteine, which is neutral and slightly polar, at codon 856 of the BRIP1 protein (p.Tyr856Cys). This variant is present in population databases (rs781556845, gnomAD 0.02%). This missense change has been observed in individual(s) with triple-negative breast cancer (PMID: 25452441). ClinVar contains an entry for this variant (Variation ID: 418097). Invitae Evidence Modeling of protein sequence and biophysical properties (such as structural, functional, and spatial information, amino acid conservation, physicochemical variation, residue mobility, and thermodynamic stability) has been performed for this missense variant. However, the output from this modeling did not meet the statistical confidence thresholds required to predict the impact of this variant on BRIP1 protein function. In summary, the available evidence is currently insufficient to determine the role of this variant in disease. Therefore, it has been classified as a Variant of Uncertain Significance.

Ambry Genetics
Classification: Uncertain significance for Hereditary cancer-predisposing syndrome. Last evaluated: 2025-09-07. Review status: criteria provided, single submitter. Criteria: Ambry Variant Classification Scheme 2023. Collection method: clinical testing. Allele origin: germline.
Comment: The p.Y856C variant (also known as c.2567A>G), located in coding exon 17 of the BRIP1 gene, results from an A to G substitution at nucleotide position 2567. The tyrosine at codon 856 is replaced by cysteine, an amino acid with highly dissimilar properties. This alteration was reported in 1/1824 women with triple-negative breast cancer (Couch FJ et al. J Clin Oncol, 2015 Feb;33:304-11). This amino acid position is highly conserved in available vertebrate species. In addition, this alteration is predicted to be deleterious by in silico analysis. Since supporting evidence is limited at this time, the clinical significance of this alteration remains unclear.

Baylor Genetics
Classification: Uncertain significance for Familial cancer of breast. Last evaluated: 2024-02-13. Review status: criteria provided, single submitter. Criteria: ACMG Guidelines, 2015. Collection method: clinical testing. Allele origin: unknown.

Myriad Genetics, Inc.
Classification: Uncertain significance for Familial cancer of breast. Last evaluated: 2023-02-27. Review status: criteria provided, single submitter. Criteria: Myriad Autosomal Dominant, Autosomal Recessive and X-Linked Classification Criteria (2023). Collection method: clinical testing. Allele origin: unknown.
Comment: This variant is classified as a variant of uncertain significance as there is insufficient evidence to determine its impact on protein function and/or cancer risk.

Color Diagnostics, LLC DBA Color Health
Classification: Uncertain significance for Hereditary cancer-predisposing syndrome. Last evaluated: 2018-12-12. Review status: criteria provided, single submitter. Criteria: ACMG Guidelines, 2015. Collection method: clinical testing. Allele origin: germline.

GeneDx
Classification: Uncertain significance. Last evaluated: 2014-10-20. Review status: criteria provided, single submitter. Criteria: GeneDx Variant Classification (06012015). Collection method: clinical testing. Allele origin: germline. Affected: yes.
Comment: This variant is denoted BRIP1 c.2567A>G at the cDNA level, p.Tyr856Cys (Y856C) at the protein level, and results in the change of a Tyrosine to a Cysteine (TAT>TGT). This variant has not, to our knowledge, been published in the literature as pathogenic or benign. BRIP1 Tyr856Cys was not observed in approximately 6,500 individuals of European and African American ancestry in the NHLBI Exome Sequencing Project, indicating it is not a common benign variant in these populations. Since Tyrosine and Cysteine differ in polarity, charge, size or other properties, this is considered a non-conservative amino acid substitution. BRIP1 Tyr856Cys occurs at a position that is highly conserved through mammals and is not located in a known functional domain (UniProt). In silico analyses predict that this variant is probably damaging to protein structure and function. Based on currently available information, it is unclear whether BRIP1 Tyr856Cys is pathogenic or benign. We consider it to be a variant of uncertain significance.

Counsyl
Classification: Uncertain significance for Fanconi anemia complementation group J; Ovarian cancer. Last evaluated: 2018-04-29. Review status: no assertion criteria provided. Collection method: clinical testing. Allele origin: unknown. Not counted in ClinVar's aggregate classification.

Literature cited by the submitters: PubMed 25452441 (cited by 3 submitters).